The following is an entry in ClinVar:

ClinVar aggregate classification (germline): Uncertain significance (1 of 4 stars; one submission).

Conditions:
Hereditary cancer-predisposing syndrome. Also called: Tumor predisposition; Hereditary neoplastic syndrome; Hereditary Cancer Syndrome; Neoplastic Syndromes, Hereditary. Identifiers: Orphanet 140162, MedGen C0027672, MeSH D009386, MONDO:0015356.

Submission:

Ambry Genetics
Classification: Uncertain significance for Hereditary cancer-predisposing syndrome. Last evaluated: 2024-03-02. Review status: criteria provided, single submitter. Criteria: Ambry Variant Classification Scheme 2023. Collection method: clinical testing. Allele origin: germline.
Comment: The p.P29T variant (also known as c.85C>A), located in coding exon 2 of the XRCC2 gene, results from a C to A substitution at nucleotide position 85. The proline at codon 29 is replaced by threonine, an amino acid with highly similar properties. This amino acid position is conserved. In addition, the in silico prediction for this alteration is inconclusive. Based on the available evidence, the clinical significance of this alteration remains unclear.

NM_005431.2(XRCC2):c.85C>A (p.Pro29Thr)

Gene: XRCC2 (X-ray repair cross complementing 2; minus strand). Cytogenetic location: 7q36.1.
Variant type: single nucleotide variant.
Coding change: c.85C>A on transcript NM_005431.2 (MANE Select); coding-DNA position 85, C replaced by A.
Protein change: p.Pro29Thr; replaces proline 29 with threonine.
Molecular consequence: missense variant.
Genome position (GRCh38, 1-based): chr7:152,660,737, G>T on the plus strand (C>A on the coding strand, the complement: XRCC2 is on the minus strand). VCF-style: chr7-152660737-G-T. GRCh37 (hg19) VCF-style: chr7-152357822-G-T.
Other names: short protein forms P29T.
Identifiers: ClinVar variation 3224703 (VCV003224703.1), dbSNP rs2098032742, ClinGen allele CA370199470.